The following is an entry in ClinVar:

NM_000059.4(BRCA2):c.5744C>T (p.Thr1915Met)

Gene: BRCA2 (BRCA2 DNA repair associated; plus strand). Cytogenetic location: 13q13.1.
Variant type: single nucleotide variant.
Coding change: c.5744C>T on transcript NM_000059.4 (MANE Select); coding-DNA position 5744, C replaced by T.
Protein change: p.Thr1915Met; replaces threonine 1915 with methionine.
Molecular consequence: missense variant.
Genome position (GRCh38, 1-based): chr13:32,340,099, C>T. VCF-style: chr13-32340099-C-T. GRCh37 (hg19) VCF-style: chr13-32914236-C-T.
Other names: p.T1915M:ACG>ATG; 5972 C>T; NP_000050.3:p.Thr1915Met; 5972C>T; short protein forms T1915M.
Identifiers: ClinVar variation 41556 (VCV000041556.100), dbSNP rs4987117, ClinGen allele CA023133.
Genomic context (GRCh38, chr13:32,340,099, plus strand): 5'-AGGCATTGGATGATTCAGAGGATATTCTTCATAACTCTCTAGATAATGATGAATGTAGCA[C>T]GCATTCACATAAGGTTTTTGCTGACATTCAGAGTGAAGAAATTTTACAACATAACCAAAA-3'
Protein context (NP_000050.3, residues 1905-1925): HNSLDNDECS[Thr1915Met]HSHKVFADIQ

ClinVar aggregate classification (germline): Benign. Review status: reviewed by expert panel (3 of 4 stars). 45 submissions from 43 submitters: Benign (1). 44 of the submissions do not count toward it. Last evaluated 2015-01-12.

Conditions:
Breast neoplasm. Also called: Neoplasm of breast; Breast tumor; Neoplasm of the breast; Breast Neoplasms. Identifiers: MedGen C1458155, MeSH D001943, MONDO:0021100, HP:0100013. Disease mechanism: gain of function.
Hereditary cancer-predisposing syndrome. Also called: Tumor predisposition; Neoplastic Syndromes, Hereditary; Hereditary neoplastic syndrome; Hereditary Cancer Syndrome. Identifiers: Orphanet 140162, MedGen C0027672, MeSH D009386, MONDO:0015356.
Hereditary breast ovarian cancer syndrome. Also called: Hereditary breast and ovarian cancer; Hereditary breast and ovarian cancer syndrome (HBOC); Hereditary breast and ovarian cancer syndrome; Breast and ovarian cancer; Hereditary breast and/or ovarian cancer syndrome; BRCA1- and BRCA2-Associated Hereditary Breast and Ovarian Cancer. Identifiers: Orphanet 145, MedGen C0677776, MeSH D061325, MONDO:0003582. Disease mechanism: loss of function.
Breast-ovarian cancer, familial, susceptibility to, 2 (BROVCA2). Also called: BRCA2 Hereditary Breast and Ovarian Cancer. Identifiers: Orphanet 145, MedGen C2675520, MONDO:0012933, OMIM 612555. Disease mechanism: loss of function.
Fanconi anemia complementation group D1. Also called: BRCA2-Related Fanconi Anemia. Identifiers: Orphanet 319462, MedGen C1838457, MONDO:0011584, OMIM 605724.
Familial cancer of breast. Also called: BREAST CANCER, FAMILIAL; Hereditary breast cancer; hereditary breast carcinoma. Identifiers: Orphanet 227535, MedGen C0346153, MONDO:0016419, OMIM 114480. Disease mechanism: loss of function.

Allele frequency attached by ClinVar (database versions not stated): 1000 Genomes Project 30x 0.00859; TOPMed 0.01737; gnomAD exomes 0.01762 and 0.02757; ExAC 0.01790; gnomAD 0.01796 and 0.01834; ESP Exome Variant Server 0.02114; 1000 Genomes Project 0.00859.
gnomAD v4.1: 42,790 of 1,613,612 alleles (2.7%); highest among the groups gnomAD compares: Non-Finnish European, 3.2%; 679 homozygotes.

Submissions 1 to 20 of 45:

Evidence-based Network for the Interpretation of Germline Mutant Alleles (ENIGMA)
Classification: Benign for Breast-ovarian cancer, familial 2. Last evaluated: 2015-01-12. Review status: reviewed by expert panel. Criteria: ENIGMA BRCA1/2 Classification Criteria (2015). Collection method: curation. Allele origin: germline.
Comment: Class 1 not pathogenic based on frequency >1% in an outbred sampleset. Frequency 0.02375 (European), derived from 1000 genomes (2012-04-30).

Labcorp Genetics (formerly Invitae), Labcorp
Classification: Benign for Hereditary breast ovarian cancer syndrome. Last evaluated: 2026-02-04. Review status: criteria provided, single submitter. Criteria: Invitae Variant Classification Sherloc (09022015). Collection method: clinical testing. Allele origin: germline. Not counted in ClinVar's aggregate classification.

ARUP Laboratories, Molecular Genetics and Genomics, ARUP Laboratories
Classification: Benign. Last evaluated: 2025-07-30. Review status: criteria provided, single submitter. Criteria: ARUP Molecular Germline Variant Investigation Process 2024. Collection method: clinical testing. Allele origin: germline. Not counted in ClinVar's aggregate classification.

Center for Genomic Medicine, Rigshospitalet, Copenhagen University Hospital
Classification: Benign. Last evaluated: 2025-03-04. Review status: criteria provided, single submitter. Criteria: ACMG Guidelines, 2015. Collection method: clinical testing. Allele origin: germline. Not counted in ClinVar's aggregate classification.

KCCC/NGS Laboratory, Kuwait Cancer Control Center
Classification: Benign for Familial cancer of breast. Last evaluated: 2025-02-01. Review status: criteria provided, single submitter. Criteria: ACMG Guidelines, 2015. Collection method: clinical testing. Allele origin: germline. Affected: no. Not counted in ClinVar's aggregate classification.

Blueprint Genetics
Classification: Likely benign. Last evaluated: 2024-11-27. Review status: criteria provided, single submitter. Criteria: ACMG Guidelines, 2015. Collection method: clinical testing. Allele origin: germline. Not counted in ClinVar's aggregate classification.

All of Us Research Program, National Institutes of Health
Classification: Benign for Breast-ovarian cancer, familial, susceptibility to, 2. Last evaluated: 2024-02-05. Review status: criteria provided, single submitter. Criteria: ACMG Guidelines, 2015. Collection method: clinical testing. Allele origin: germline. Inheritance: Autosomal dominant inheritance. Observed: 5,116 variant alleles, 5,041 heterozygotes, 75 homozygotes. Not counted in ClinVar's aggregate classification.
Comment: This study involves interpretation of variants in research participants for the purpose of population health screening. Participant phenotype was not available at the time of variant classification. Additional details can be found in publication PMID: 35346344, PMCID: PMC8962531

KCCC/NGS Laboratory, Kuwait Cancer Control Center
Classification: Benign for Breast-ovarian cancer, familial, susceptibility to, 2. Last evaluated: 2023-07-07. Review status: criteria provided, single submitter. Criteria: ACMG Guidelines, 2015. Collection method: clinical testing. Allele origin: germline. Affected: yes. Not counted in ClinVar's aggregate classification.

National Health Laboratory Service, Universitas Academic Hospital and University of the Free State
Classification: Likely benign for Hereditary breast ovarian cancer syndrome. Last evaluated: 2022-04-19. Review status: criteria provided, single submitter. Criteria: ACMG Guidelines, 2015. Collection method: clinical testing. Allele origin: germline. Affected: yes. Observed: 11 variant alleles. Not counted in ClinVar's aggregate classification.

Institute for Clinical Genetics, University Hospital TU Dresden, University Hospital TU Dresden
Classification: Benign. Last evaluated: 2021-11-03. Review status: criteria provided, single submitter. Criteria: ACMG Guidelines, 2015. Collection method: clinical testing. Allele origin: germline. Not counted in ClinVar's aggregate classification.

Genetics Program, Instituto Nacional de Cancer
Classification: Benign for Hereditary breast ovarian cancer syndrome. Last evaluated: 2021-11-01. Review status: criteria provided, single submitter. Criteria: ACMG Guidelines, 2015. Collection method: research. Allele origin: germline. Affected: yes. Not counted in ClinVar's aggregate classification.

Sema4
Classification: Benign for Hereditary cancer-predisposing syndrome. Last evaluated: 2021-04-26. Review status: criteria provided, single submitter. Criteria: Sema4 Curation Guidelines. Collection method: curation. Allele origin: germline. Not counted in ClinVar's aggregate classification.

Quest Diagnostics Nichols Institute San Juan Capistrano
Classification: Benign. Last evaluated: 2020-06-15. Review status: criteria provided, single submitter. Criteria: Quest Diagnostics criteria. Collection method: clinical testing. Allele origin: unknown. Not counted in ClinVar's aggregate classification.

Illumina Laboratory Services, Illumina
Classification: Benign for Breast-ovarian cancer, familial, susceptibility to, 2. Last evaluated: 2018-03-06. Review status: criteria provided, single submitter. Criteria: ICSL Variant Classification Criteria 13 December 2019. Collection method: clinical testing. Allele origin: germline. Not counted in ClinVar's aggregate classification.
Comment: This variant was observed in the ICSL laboratory as part of a predisposition screen in an ostensibly healthy population. It had not been previously curated by ICSL or reported in the Human Gene Mutation Database (HGMD: prior to June 1st, 2018), and was therefore a candidate for classification through an automated scoring system. Utilizing variant allele frequency, disease prevalence and penetrance estimates, and inheritance mode, an automated score was calculated to assess if this variant is too frequent to cause the disease. Based on the score and internal cut-off values, a variant classified as benign is not then subjected to further curation. The score for this variant resulted in a classification of benign for this disease.

Illumina Laboratory Services, Illumina
Classification: Benign for Fanconi anemia complementation group D1. Last evaluated: 2018-03-06. Review status: criteria provided, single submitter. Criteria: ICSL Variant Classification Criteria 13 December 2019. Collection method: clinical testing. Allele origin: germline. Not counted in ClinVar's aggregate classification.
Comment: the same text as in the submission from Illumina Laboratory Services, Illumina above.

Department of Pathology and Molecular Medicine, Queen's University
Classification: Benign. Last evaluated: 2017-04-20. Review status: criteria provided, single submitter. Criteria: ACMG Guidelines, 2015. Collection method: clinical testing. Allele origin: germline. Study: The Canadian Open Genetics Repository (COGR). Not counted in ClinVar's aggregate classification.

Cancer Genetics and Genomics Laboratory, British Columbia Cancer Agency
Classification: Benign. Last evaluated: 2017-04-19. Review status: criteria provided, single submitter. Criteria: ACMG Guidelines, 2015. Collection method: clinical testing. Allele origin: germline. Study: The Canadian Open Genetics Repository (COGR). Not counted in ClinVar's aggregate classification.

Baylor Genetics
Classification: Benign for Familial cancer of breast. Last evaluated: 2017-02-23. Review status: criteria provided, single submitter. Criteria: ACMG Guidelines, 2015. Collection method: clinical testing. Allele origin: germline. Inheritance: Autosomal dominant inheritance. Affected: no. Not counted in ClinVar's aggregate classification.

Vantari Genetics
Classification: Likely benign for Hereditary cancer-predisposing syndrome. Last evaluated: 2015-12-17. Review status: criteria provided, single submitter. Criteria: ACMG Guidelines, 2015. Collection method: clinical testing. Allele origin: germline. Not counted in ClinVar's aggregate classification.

Clinical Genetics DNA and cytogenetics Diagnostics Lab, Erasmus MC, Erasmus Medical Center
Classification: Benign for Breast-ovarian cancer, familial, susceptibility to, 2. Last evaluated: 2015-09-21. Review status: criteria provided, single submitter. Criteria: ACGS Guidelines, 2013. Collection method: clinical testing. Allele origin: germline. Affected: yes. Study: VKGL Data-share Consensus. Not counted in ClinVar's aggregate classification.